The following is an entry in ClinVar:

NM_025137.4(SPG11):c.670A>G (p.Ile224Val)

Gene: SPG11 (SPG11 vesicle trafficking associated, spatacsin; minus strand). Cytogenetic location: 15q21.1.
Variant type: single nucleotide variant.
Coding change: c.670A>G on transcript NM_025137.4 (MANE Select); coding-DNA position 670, A replaced by G.
Protein change: p.Ile224Val; replaces isoleucine 224 with valine.
Molecular consequence: missense variant.
Genome position (GRCh38, 1-based): chr15:44,657,294, T>C on the plus strand (A>G on the coding strand, the complement: SPG11 is on the minus strand). VCF-style: chr15-44657294-T-C. GRCh37 (hg19) VCF-style: chr15-44949492-T-C.
Other names: c.670A>G, p.Ile224Val (NM_001160227.2); short protein forms I224V.
Identifiers: ClinVar variation 1401531 (VCV001401531.3), dbSNP rs2084969218, ClinGen allele CA392237544.
Genomic context (GRCh38, chr15:44,657,294, plus strand): 5'-CTTCTTTGTGAAGTGCTAAATCCACATGAGCTACATATGTACCATCCACAACATCAAAAA[T>C]GTCTTTTAGTTAGAGTTAAAAGAAAATGCCAGTTTTGTAAGTATGCCTAACTATTTAAAG-3'
Protein context (NP_079413.3, residues 214-234): FVLSSLGWIY[Ile224Val]FDVVDGTYVA

ClinVar aggregate classification (germline): Uncertain significance (1 of 4 stars; one submission).

Conditions:
Hereditary spastic paraplegia 11. Also called: Nakamura Osame syndrome; Autosomal recessive hereditary spastic paraplegia, mental impairment, and thin corpus callosum; Spastic Paraplegia 11; SPASTIC PARAPLEGIA, AUTOSOMAL RECESSIVE, COMPLICATED, WITH THIN CORPUS CALLOSUM; SPASTIC PARAPLEGIA, AUTOSOMAL RECESSIVE, WITH MENTAL IMPAIRMENT AND THIN CORPUS CALLOSUM; Spastic paraplegia, mental retardation and thin corpus callosum. Identifiers: Orphanet 2822, MedGen C1858479, MONDO:0011445, OMIM 604360.

Allele frequency attached by ClinVar (database versions not stated): gnomAD exomes below 0.00001; TOPMed below 0.00001.
gnomAD v4.1: 2 of 1,614,176 alleles (0.00012%); highest among the groups gnomAD compares: African/African-American, 0.0013%; no homozygotes.

Submission:

Labcorp Genetics (formerly Invitae), Labcorp
Classification: Uncertain significance for Hereditary spastic paraplegia 11. Last evaluated: 2021-08-18. Review status: criteria provided, single submitter. Criteria: Invitae Variant Classification Sherloc (09022015). Collection method: clinical testing. Allele origin: germline.
Comment: This sequence change replaces isoleucine with valine at codon 224 of the SPG11 protein (p.Ile224Val). The isoleucine residue is moderately conserved and there is a small physicochemical difference between isoleucine and valine. This variant is not present in population databases (ExAC no frequency). This variant has not been reported in the literature in individuals affected with SPG11-related conditions. Algorithms developed to predict the effect of missense changes on protein structure and function output the following: SIFT: "Tolerated"; PolyPhen-2: "Benign"; Align-GVGD: "Class C0". The valine amino acid residue is found in multiple mammalian species, which suggests that this missense change does not adversely affect protein function. In summary, the available evidence is currently insufficient to determine the role of this variant in disease. Therefore, it has been classified as a Variant of Uncertain Significance.